The following is an entry in ClinVar:

ClinVar aggregate classification (germline): Pathogenic/Likely pathogenic. Review status: criteria provided, multiple submitters, no conflicts (2 of 4 stars). 3 submissions from 3 submitters: Pathogenic (1); Likely pathogenic (2). Last evaluated 2026-05-06.

Conditions:
Mismatch repair cancer syndrome 4. Identifiers: MedGen C5436817, MONDO:0030843, OMIM 619101.
Lynch syndrome 4 (LYNCH4). Also called: Hereditary non-polyposis colorectal cancer, type 4; Colorectal cancer, hereditary nonpolyposis, type 4. Identifiers: Orphanet 144, MedGen C1838333, MONDO:0013699, OMIM 614337. Disease mechanism: loss of function.
Hereditary cancer-predisposing syndrome. Also called: Hereditary Cancer Syndrome; Neoplastic Syndromes, Hereditary; Tumor predisposition; Hereditary neoplastic syndrome. Identifiers: Orphanet 140162, MedGen C0027672, MeSH D009386, MONDO:0015356.

Submissions (3):

Ambry Genetics
Classification: Pathogenic for Hereditary cancer-predisposing syndrome. Last evaluated: 2026-05-06. Review status: criteria provided, single submitter. Criteria: Ambry Variant Classification Scheme 2023. Collection method: clinical testing. Allele origin: germline.
Comment: The c.538-2A>C intronic pathogenic mutation results from an A to C substitution two nucleotides upstream from coding exon 6 in the PMS2 gene. This variant is considered to be rare based on population cohorts in the Genome Aggregation Database (gnomAD). This nucleotide position is highly conserved in available vertebrate species. In silico splice site analysis predicts that this alteration will weaken the native splice acceptor site; however, direct evidence is insufficient at this time (Ambry internal data). Variants that disrupt the canonical splice site are expected to cause aberrant splicing, resulting in an abnormal protein or a transcript that is subject to nonsense-mediated mRNA decay. As such, this variant is classified as a disease-causing mutation.

Fulgent Genetics
Classification: Likely pathogenic for Lynch syndrome 4; Mismatch repair cancer syndrome 4. Last evaluated: 2022-04-22. Review status: criteria provided, single submitter. Criteria: ACMG Guidelines, 2015. Collection method: clinical testing. Allele origin: unknown.

Color Diagnostics, LLC DBA Color Health
Classification: Likely pathogenic for Hereditary cancer-predisposing syndrome. Last evaluated: 2020-02-04. Review status: criteria provided, single submitter. Criteria: ACMG Guidelines, 2015. Collection method: clinical testing. Allele origin: germline.
Comment: This variant causes an A>C nucleotide substitution at the -2 position of intron 5 of the PMS2 gene. Splice site prediction tools predict that this variant may have a significant impact on RNA splicing. To our knowledge, functional studies have not been performed for this variant nor has this variant has not been reported in individuals affected with hereditary cancer in the literature. Two different variants, c.538-2A>G and c.538-1G>C, with similar predicted impact on the intron 5 splice acceptor site have been reported in at least one individual with colorectal cancer that showed the absence of PMS2 by immunohistochemistry (PMID: 28449805, 28640387) and in trans with a pathogenic PMS2 covariant in an individual with constitutional mismatch repair deficiency syndrome (PMID: 24440087), respectively. These two variants have also been reported as disease-causing in ClinVar (Variation ID: 411028, 434027). This variant has not been identified in the general population by the Genome Aggregation Database (gnomAD). Loss of PMS2 function is a known mechanism of disease. Based on the available evidence, this variant is classified as Likely Pathogenic.

NM_000535.7(PMS2):c.538-2A>C

Gene: PMS2 (PMS1 homolog 2, mismatch repair system component; minus strand). Cytogenetic location: 7p22.1.
Variant type: single nucleotide variant.
Coding change: c.538-2A>C on transcript NM_000535.7 (MANE Select); the canonical splice acceptor site of the intron before coding-DNA position 538, A replaced by C.
Molecular consequence: splice acceptor variant. On other transcripts: intron variant (9).
Genome position (GRCh38, 1-based): chr7:5,999,277, T>G on the plus strand (A>C on the coding strand, the complement: PMS2 is on the minus strand). VCF-style: chr7-5999277-T-G. GRCh37 (hg19) VCF-style: chr7-6038908-T-G.
Other names: c.538-2A>C (NM_000535.5, NM_001406869.1, NM_001406873.1 and 6 more transcripts); c.220-2A>C (NM_001406901.1, NM_001406903.1, NM_001322007.2 and 4 more transcripts); c.229-2A>C (NM_001406900.1, NM_001406880.1, NM_001406878.1 and 6 more transcripts); c.133-1854A>C (NM_001406909.1, NM_001322013.2); c.133-2A>C (NM_001406907.1, NM_001406892.1, NM_001406888.1 and 21 more transcripts); c.537+3176A>C (NM_001406886.1); c.538-1854A>C (NM_001406884.1, NM_001406874.1); c.-347-51A>C (NM_001322011.2, NM_001322012.2); and 4 more.
Identifiers: ClinVar variation 926801 (VCV000926801.5), dbSNP rs758304323, ClinGen allele CA366744141.